The following is an entry in ClinVar:

NM_153676.4(USH1C):c.2426T>C (p.Ile809Thr)

Gene: USH1C (USH1 protein network component harmonin; minus strand). Cytogenetic location: 11p15.1.
Variant type: single nucleotide variant.
Coding change: c.2426T>C on transcript NM_153676.4 (MANE Select); coding-DNA position 2426, T replaced by C.
Protein change: p.Ile809Thr; replaces isoleucine 809 with threonine.
Molecular consequence: missense variant. On other transcripts: non-coding transcript variant (1).
Genome position (GRCh38, 1-based): chr11:17,498,226, A>G on the plus strand (T>C on the coding strand, the complement: USH1C is on the minus strand). VCF-style: chr11-17498226-A-G. GRCh37 (hg19) VCF-style: chr11-17519773-A-G.
Other names: c.1469T>C, p.Ile490Thr (NM_001297764.2); c.1526T>C, p.Ile509Thr (NM_005709.4); c.1526T>C (NM_005709.3); short protein forms I490T, I809T, I509T.
Identifiers: ClinVar variation 2157707 (VCV002157707.2), dbSNP rs755400861, ClinGen allele CA5904166.
Genomic context (GRCh38, chr11:17,498,226, plus strand): 5'-CCCTGATTCCAGGCCTTCTGCAGGGCAGCCTCAGCCTCAGCCAGGGTGTAGTCTGTCACA[A>G]TCTTGCCGTTGATTGCCATGATCTCGTCCCCTTTCACAATGCCACCTGCAGGCAGATGAG-3'
Protein context (NP_710142.1, residues 799-819): GDEIMAINGK[Ile809Thr]VTDYTLAEAE

ClinVar aggregate classification (germline): Conflicting classifications of pathogenicity. Review status: criteria provided, conflicting classifications (1 of 4 stars). 2 submissions from 2 submitters: Uncertain significance (1); Likely benign (1). Last evaluated 2024-12-05.

Conditions:
Inborn genetic diseases. Identifiers: MedGen C0950123, MeSH D030342.

Allele frequency attached by ClinVar (database versions not stated): gnomAD 0.00001; gnomAD exomes 0.00001; ExAC 0.00002; TOPMed 0.00002.
gnomAD v4.1: 26 of 1,613,966 alleles (0.0016%); highest among the groups gnomAD compares: East Asian, 0.0045%; no homozygotes.

Submissions (2):

Ambry Genetics
Classification: Likely benign for Inborn genetic diseases. Last evaluated: 2024-12-05. Review status: criteria provided, single submitter. Criteria: Ambry Variant Classification Scheme 2023. Collection method: clinical testing. Allele origin: germline.

Labcorp Genetics (formerly Invitae), Labcorp
Classification: Uncertain significance. Last evaluated: 2022-07-30. Review status: criteria provided, single submitter. Criteria: Invitae Variant Classification Sherloc (09022015). Collection method: clinical testing. Allele origin: germline.
Comment: This sequence change replaces isoleucine, which is neutral and non-polar, with threonine, which is neutral and polar, at codon 509 of the USH1C protein (p.Ile509Thr). This variant is present in population databases (rs755400861, gnomAD 0.006%). This variant has not been reported in the literature in individuals affected with USH1C-related conditions. Algorithms developed to predict the effect of missense changes on protein structure and function output the following: SIFT: "Tolerated"; PolyPhen-2: "Benign"; Align-GVGD: "Class C0". The threonine amino acid residue is found in multiple mammalian species, which suggests that this missense change does not adversely affect protein function. In summary, the available evidence is currently insufficient to determine the role of this variant in disease. Therefore, it has been classified as a Variant of Uncertain Significance.